The following is an entry in ClinVar:

NM_000069.3(CACNA1S):c.900G>A (p.Trp300Ter)

Gene: CACNA1S (calcium voltage-gated channel subunit alpha1 S; minus strand). Cytogenetic location: 1q32.1.
Variant type: single nucleotide variant.
Coding change: c.900G>A on transcript NM_000069.3 (MANE Select); coding-DNA position 900, G replaced by A.
Protein change: p.Trp300Ter; replaces tryptophan 300 with a stop codon.
Molecular consequence: nonsense.
Genome position (GRCh38, 1-based): chr1:201,089,258, C>T on the plus strand (G>A on the coding strand, the complement: CACNA1S is on the minus strand). VCF-style: chr1-201089258-C-T. GRCh37 (hg19) VCF-style: chr1-201058386-C-T.
Other names: short protein forms W300*.
Identifiers: ClinVar variation 620285 (VCV000620285.9), dbSNP rs148317787, ClinGen allele CA35993665.

ClinVar aggregate classification (germline): Conflicting classifications of pathogenicity. Review status: criteria provided, conflicting classifications (1 of 4 stars). 5 submissions from 4 submitters: Pathogenic (3); Likely pathogenic (1); Uncertain significance (1). Last evaluated 2025-08-19.

Conditions:
Malignant hyperthermia, susceptibility to, 5 (MHS5). Also called: CACNA1S-Related Malignant Hyperthermia Susceptibility. Identifiers: Orphanet 423, MedGen C1866077, MONDO:0011163, OMIM 601887.
Hypokalemic periodic paralysis, type 1. Also called: HypoPP; Hypokalemic Periodic Paralysis Type 1 (AD). Identifiers: Orphanet 681, MedGen C3714580, MONDO:0042979, OMIM 170400.

Allele frequency attached by ClinVar (database versions not stated): gnomAD exomes below 0.00001 and 0.00001; TOPMed 0.00002; gnomAD 0.00004; ESP Exome Variant Server 0.00015.
gnomAD v4.1: 9 of 1,614,058 alleles (0.00056%); highest among the groups gnomAD compares: African/African-American, 0.0067%; no homozygotes.

Submissions (5):

Color Diagnostics, LLC DBA Color Health
Classification: Uncertain significance for Malignant hyperthermia, susceptibility to, 5. Last evaluated: 2025-08-19. Review status: criteria provided, single submitter. Criteria: ACMG Guidelines, 2015. Collection method: clinical testing. Allele origin: germline.
Comment: This variant changes 1 nucleotide in exon 6 of the CACNA1S gene, creating a premature translation stop signal. This variant is expected to result in an absent or non-functional protein product. To our knowledge, functional studies have not been reported for this variant. This variant has not been reported in individuals affected with malignant hyperthermia in the literature. This variant has been identified in 3/282542 chromosomes in the general population by the Genome Aggregation Database (gnomAD). Loss of CACNA1S gene function due to truncation variant is not an established disease mechanism for autosomal dominant malignant hyperthermia, although it is associated with other phenotype(s) (ClinVar Variation ID: 620285). Due to insufficient evidence, this variant is classified as a Variant of Uncertain Significance for autosomal dominant malignant hyperthermia.

Labcorp Genetics (formerly Invitae), Labcorp
Classification: Pathogenic for Hypokalemic periodic paralysis, type 1; Malignant hyperthermia, susceptibility to, 5. Last evaluated: 2025-04-14. Review status: criteria provided, single submitter. Criteria: Invitae Variant Classification Sherloc (09022015). Collection method: clinical testing. Allele origin: germline.
Comment: This sequence change creates a premature translational stop signal (p.Trp300*) in the CACNA1S gene. It is expected to result in an absent or disrupted protein product. Loss-of-function variants in CACNA1S are known to be pathogenic (PMID: 26247046, 28012042). This variant is present in population databases (rs148317787, gnomAD 0.004%). This variant has not been reported in the literature in individuals affected with CACNA1S-related conditions. ClinVar contains an entry for this variant (Variation ID: 620285). Algorithms developed to predict the effect of sequence changes on RNA splicing suggest that this variant may disrupt the consensus splice site. For these reasons, this variant has been classified as Pathogenic.

Genome-Nilou Lab
Classification: Pathogenic for Malignant hyperthermia, susceptibility to, 5. Last evaluated: 2023-04-11. Review status: criteria provided, single submitter. Criteria: ACMG Guidelines, 2015. Collection method: clinical testing. Allele origin: germline. Affected: no.

Genome-Nilou Lab
Classification: Pathogenic for Hypokalemic periodic paralysis, type 1. Last evaluated: 2023-04-11. Review status: criteria provided, single submitter. Criteria: ACMG Guidelines, 2015. Collection method: clinical testing. Allele origin: germline. Affected: no.

GeneDx
Classification: Likely pathogenic. Last evaluated: 2021-04-29. Review status: criteria provided, single submitter. Criteria: GeneDx Variant Classification Process June 2021. Collection method: clinical testing. Allele origin: germline. Affected: yes.
Comment: Nonsense variant predicted to result in protein truncation or nonsense mediated decay in a gene for which loss-of-function is a known mechanism of disease; Not observed at a significant frequency in large population cohorts (Lek et al., 2016); Has not been previously published as pathogenic or benign to our knowledge

Literature cited by the submitters: PubMed 26247046 (cited by Labcorp Genetics (formerly Invitae), Labcorp); PubMed 28012042 (cited by Labcorp Genetics (formerly Invitae), Labcorp).